The following is an entry in ClinVar:

NM_001041.4(SI):c.1391T>C (p.Ile464Thr)

Gene: SI (sucrase-isomaltase; minus strand). Cytogenetic location: 3q26.1.
Variant type: single nucleotide variant.
Coding change: c.1391T>C on transcript NM_001041.4 (MANE Select); coding-DNA position 1391, T replaced by C.
Protein change: p.Ile464Thr; replaces isoleucine 464 with threonine.
Molecular consequence: missense variant.
Genome position (GRCh38, 1-based): chr3:165,058,970, A>G on the plus strand (T>C on the coding strand, the complement: SI is on the minus strand). VCF-style: chr3-165058970-A-G. GRCh37 (hg19) VCF-style: chr3-164776758-A-G.
Other names: short protein forms I464T.
Identifiers: ClinVar variation 2163862 (VCV002163862.4), dbSNP rs781165527, ClinGen allele CA2691087.
Genomic context (GRCh38, chr3:165,058,970, plus strand): 5'-ATTTCAGAGAAGAAAATTTGAGCAACATAGTTTTAATAAATATCATATTTTACCTCTCCA[A>G]TAATTGGTGTACTTCCATCTGACTCATTTATCCACACATGTTGTGTGTTTCCCCTCTCAT-3'
Protein context (NP_001032.2, residues 454-474): INESDGSTPI[Ile464Thr]GEVWPGLTVY

ClinVar aggregate classification (germline): Uncertain significance. Review status: criteria provided, multiple submitters, no conflicts (2 of 4 stars). 2 submissions from 2 submitters: Uncertain significance (2). Last evaluated 2024-03-27.

Conditions:
Sucrase-isomaltase deficiency (CSID). Also called: Deficiency of isomaltase; SI DEFICIENCY; Congenital sucrose isomaltose malabsorption; Sucrose isomaltose enzyme deficiency. Identifiers: Orphanet 35122, MedGen C1283620, MONDO:0009114, OMIM 222900.

Allele frequency attached by ClinVar (database versions not stated): TOPMed 0.00001; ExAC 0.00002; gnomAD 0.00003; gnomAD exomes 0.00004.
gnomAD v4.1: 28 of 1,610,896 alleles (0.0017%); highest among the groups gnomAD compares: East Asian, 0.011%; no homozygotes.

Submissions (2):

Fulgent Genetics
Classification: Uncertain significance for Sucrase-isomaltase deficiency. Last evaluated: 2024-03-27. Review status: criteria provided, single submitter. Criteria: ACMG Guidelines, 2015. Collection method: clinical testing. Allele origin: germline.

Labcorp Genetics (formerly Invitae), Labcorp
Classification: Uncertain significance. Last evaluated: 2022-08-04. Review status: criteria provided, single submitter. Criteria: Invitae Variant Classification Sherloc (09022015). Collection method: clinical testing. Allele origin: germline.
Comment: This sequence change replaces isoleucine, which is neutral and non-polar, with threonine, which is neutral and polar, at codon 464 of the SI protein (p.Ile464Thr). This variant is present in population databases (rs781165527, gnomAD 0.007%). This variant has not been reported in the literature in individuals affected with SI-related conditions. Advanced modeling of protein sequence and biophysical properties (such as structural, functional, and spatial information, amino acid conservation, physicochemical variation, residue mobility, and thermodynamic stability) performed at Invitae indicates that this missense variant is expected to disrupt SI protein function. In summary, the available evidence is currently insufficient to determine the role of this variant in disease. Therefore, it has been classified as a Variant of Uncertain Significance.